The following is an entry in ClinVar:

NM_000288.4(PEX7):c.105_117del (p.Gln38fs)

Gene: PEX7 (peroxisomal biogenesis factor 7; plus strand). Cytogenetic location: 6q23.3.
Variant type: Deletion.
Coding change: c.105_117del on transcript NM_000288.4 (MANE Select); coding-DNA positions 105 to 117, 13 bases deleted (CACCGCGCAGCAC).
Protein change: p.Gln38fs; shifts the reading frame from glutamine 38.
Molecular consequence: frameshift variant.
Genome position (GRCh38, 1-based): chr6:136,822,770-136,822,782, CACCGCGCAGCAC deleted; deleting any 13 consecutive bases within chr6:136,822,769-136,822,782 gives the same sequence; the c. name uses the placement nearest the transcript's 3' end. VCF-style (leftmost placement, unchanged base first): chr6-136822768-GCCACCGCGCAGCA-G. GRCh37 (hg19) VCF-style: chr6-137143906-GCCACCGCGCAGCA-G.
Other names: short protein forms Q38fs.
Identifiers: ClinVar variation 1996134 (VCV001996134.4), dbSNP rs2548068883, ClinGen allele CA2580075116.

ClinVar aggregate classification (germline): Pathogenic (1 of 4 stars; one submission).

Conditions:
Peroxisome biogenesis disorder 9B. Also called: PEX7-Related Refsum Disease; PEROXISOME BIOGENESIS DISORDER, PEX7-RELATED, ATYPICAL; Refsum disease, adult, 2. Identifiers: Orphanet 773, MedGen C2749346, MONDO:0013945, OMIM 614879.

Submission:

Labcorp Genetics (formerly Invitae), Labcorp
Classification: Pathogenic for Peroxisome biogenesis disorder 9B. Last evaluated: 2022-05-18. Review status: criteria provided, single submitter. Criteria: Invitae Variant Classification Sherloc (09022015). Collection method: clinical testing. Allele origin: germline.
Comment: This sequence change creates a premature translational stop signal (p.Gln38Serfs*8) in the PEX7 gene. It is expected to result in an absent or disrupted protein product. Loss-of-function variants in PEX7 are known to be pathogenic (PMID: 12325024, 12522768, 20301447). This variant is not present in population databases (gnomAD no frequency). This variant has not been reported in the literature in individuals affected with PEX7-related conditions. For these reasons, this variant has been classified as Pathogenic.

Literature cited by the submitters: PubMed 12325024; PubMed 12522768; PubMed 20301447.